The following is an entry in ClinVar:

NM_170606.3(KMT2C):c.6332A>G (p.His2111Arg)

Gene: KMT2C (lysine methyltransferase 2C; minus strand). Cytogenetic location: 7q36.1.
Variant type: single nucleotide variant.
Coding change: c.6332A>G on transcript NM_170606.3 (MANE Select); coding-DNA position 6332, A replaced by G.
Protein change: p.His2111Arg; replaces histidine 2111 with arginine.
Molecular consequence: missense variant.
Genome position (GRCh38, 1-based): chr7:152,181,528, T>C on the plus strand (A>G on the coding strand, the complement: KMT2C is on the minus strand). VCF-style: chr7-152181528-T-C. GRCh37 (hg19) VCF-style: chr7-151878613-T-C.
Other names: short protein forms H2111R.
Identifiers: ClinVar variation 3573872 (VCV003573872.1).
Genomic context (GRCh38, chr7:152,181,528, plus strand): 5'-TATGGGTCCTGAGATGTTGGCCTTGATATGGTTCCAGGCTGGGAAAAAGCCCTTGAAGGA[T>C]GGGCAAAAGATTCATTCACTGCTGGATGTGGGGTAAGGGGAGGCTGACTATATGGATCAT-3'
Protein context (NP_733751.2, residues 2101-2121): PHPAVNESFA[His2111Arg]PSRAFSQPGT

ClinVar aggregate classification (germline): Uncertain significance (1 of 4 stars; one submission).

Submission:

GeneDx
Classification: Uncertain significance. Last evaluated: 2024-07-18. Review status: criteria provided, single submitter. Criteria: GeneDx Variant Classification Process June 2021. Collection method: clinical testing. Allele origin: germline. Affected: yes.
Comment: Not observed at significant frequency in large population cohorts (gnomAD); In silico analysis supports that this missense variant has a deleterious effect on protein structure/function; Has not been previously published as pathogenic or benign to our knowledge